The following is an entry in ClinVar:

ClinVar aggregate classification (germline): Conflicting classifications of pathogenicity. Review status: criteria provided, conflicting classifications (1 of 4 stars). 3 submissions from 3 submitters: Uncertain significance (1); Likely benign (2). Last evaluated 2025-06-09.

Conditions:
MYH7B-related disorder. Also called: MYH7B-related condition.

Allele frequency attached by ClinVar (database versions not stated): gnomAD 0.00007; gnomAD exomes 0.00008; TOPMed 0.00008; ExAC 0.00015; ESP Exome Variant Server 0.00023.
gnomAD v4.1: 138 of 1,613,714 alleles (0.0086%); highest among the groups gnomAD compares: East Asian, 0.029%; no homozygotes.

Submissions (3):

Labcorp Genetics (formerly Invitae), Labcorp
Classification: Likely benign. Last evaluated: 2025-06-09. Review status: criteria provided, single submitter. Criteria: Invitae Variant Classification Sherloc (09022015). Collection method: clinical testing. Allele origin: germline.

PreventionGenetics, part of Exact Sciences
Classification: Likely benign for MYH7B-related condition. Last evaluated: 2025-01-05. Review status: criteria provided, single submitter. Criteria: ACMG Guidelines, 2015. Collection method: clinical testing. Allele origin: germline.
Comment: This variant is classified as likely benign based on ACMG/AMP sequence variant interpretation guidelines (Richards et al. 2015 PMID: 25741868, with internal and published modifications).

Ambry Genetics
Classification: Uncertain significance. Last evaluated: 2023-10-30. Review status: criteria provided, single submitter. Criteria: Ambry Variant Classification Scheme 2023. Collection method: clinical testing. Allele origin: germline.

NM_020884.7(MYH7B):c.1334G>A (p.Arg445Gln)

Gene: MYH7B (myosin heavy chain 7B; plus strand). Cytogenetic location: 20q11.22.
Variant type: single nucleotide variant.
Coding change: c.1334G>A on transcript NM_020884.7 (MANE Select); coding-DNA position 1334, G replaced by A.
Protein change: p.Arg445Gln; replaces arginine 445 with glutamine.
Molecular consequence: missense variant.
Genome position (GRCh38, 1-based): chr20:34,987,832, G>A. VCF-style: chr20-34987832-G-A. GRCh37 (hg19) VCF-style: chr20-33575635-G-A.
Other names: c.1460G>A (NM_020884.3, NM_020884.4); short protein forms R445Q.
Identifiers: ClinVar variation 2853813 (VCV002853813.5), dbSNP rs370162493, ClinGen allele CA9826902.